The following is an entry in ClinVar:

ClinVar aggregate classification (germline): Likely pathogenic (1 of 4 stars; one submission).

Conditions:
Inborn genetic diseases. Identifiers: MedGen C0950123, MeSH D030342.

Submission:

Ambry Genetics
Classification: Likely pathogenic for Inborn genetic diseases. Last evaluated: 2024-06-28. Review status: criteria provided, single submitter. Criteria: Ambry Variant Classification Scheme 2023. Collection method: clinical testing. Allele origin: germline.
Comment: The c.5707T>G (p.Y1903D) alteration is located in exon 26 (coding exon 26) of the SCN1A gene. This alteration results from a T to G substitution at nucleotide position 5707, causing the tyrosine (Y) at amino acid position 1903 to be replaced by an aspartic acid (D). for autosomal dominant SCN1A-related seizure disorders; however, its clinical significance for autosomal dominant SCN1A-related hemiplegic migraine is uncertain. This amino acid position is highly conserved in available vertebrate species. This alteration is predicted to be deleterious by in silico analysis. Based on the available evidence, this alteration is classified as likely pathogenic.

NM_001165963.4(SCN1A):c.5707T>G (p.Tyr1903Asp)

Genes: SCN1A (sodium voltage-gated channel alpha subunit 1; minus strand), LOC102724058 (uncharacterized LOC102724058; plus strand). Cytogenetic location: 2q24.3.
Variant type: single nucleotide variant.
Coding change: c.5707T>G on transcript NM_001165963.4 (MANE Select); coding-DNA position 5707, T replaced by G.
Protein change: p.Tyr1903Asp; replaces tyrosine 1903 with aspartic acid.
Molecular consequence: missense variant. On other transcripts: non-coding transcript variant (1).
Genome position (GRCh38, 1-based): chr2:165,991,568, A>C on the plus strand (T>G on the coding strand, the complement: SCN1A is on the minus strand). VCF-style: chr2-165991568-A-C. GRCh37 (hg19) VCF-style: chr2-166848078-A-C.
Other names: c.5623T>G, p.Tyr1875Asp (NM_001165964.3, NM_001353957.2, NM_001353958.2); c.5707T>G, p.Tyr1903Asp (NM_001202435.3, NM_001353948.2); c.5674T>G, p.Tyr1892Asp (NM_001353949.2, NM_001353950.2, NM_001353951.2 and 2 more transcripts); c.5671T>G, p.Tyr1891Asp (NM_001353954.2, NM_001353955.2); c.5620T>G, p.Tyr1874Asp (NM_001353960.2); c.3265T>G, p.Tyr1089Asp (NM_001353961.2); short protein forms Y1089D, Y1874D, Y1892D, Y1875D, Y1891D, Y1903D.
Identifiers: ClinVar variation 3316549 (VCV003316549.2).